The following is an entry in ClinVar:

ClinVar aggregate classification (germline): Pathogenic (1 of 4 stars; one submission).

Submission:

Labcorp Genetics (formerly Invitae), Labcorp
Classification: Pathogenic. Last evaluated: 2024-01-04. Review status: criteria provided, single submitter. Criteria: Invitae Variant Classification Sherloc (09022015). Collection method: clinical testing. Allele origin: germline.
Comment: This sequence change creates a premature translational stop signal (p.Asn612Thrfs*3) in the EIF2AK3 gene. It is expected to result in an absent or disrupted protein product. Loss-of-function variants in EIF2AK3 are known to be pathogenic (PMID: 11997520). This variant is not present in population databases (gnomAD no frequency). This variant has not been reported in the literature in individuals affected with EIF2AK3-related conditions. Algorithms developed to predict the effect of sequence changes on RNA splicing suggest that this variant may disrupt the consensus splice site. For these reasons, this variant has been classified as Pathogenic.

Literature cited by the submitters: PubMed 11997520.

NM_004836.7(EIF2AK3):c.1835del (p.Asn612fs)

Gene: EIF2AK3 (eukaryotic translation initiation factor 2 alpha kinase 3; minus strand). Cytogenetic location: 2p11.2.
Variant type: Deletion.
Coding change: c.1835del on transcript NM_004836.7 (MANE Select); coding-DNA position 1835, one base deleted (A; older notation c.1835delA).
Protein change: p.Asn612fs; shifts the reading frame from asparagine 612.
Molecular consequence: frameshift variant.
Genome position (GRCh38, 1-based): chr2:88,579,569, T deleted on the plus strand (A on the coding strand, the reverse complement: EIF2AK3 is on the minus strand); the first of 5 consecutive T bases (chr2:88,579,569-88,579,573); deleting any one gives the same sequence. VCF-style (leftmost placement, unchanged base first): chr2-88579568-GT-G. GRCh37 (hg19) VCF-style: chr2-88879086-GT-G.
Other names: c.1382del, p.Asn461fs (NM_001313915.2); short protein forms N612fs, N461fs.
Identifiers: ClinVar variation 2707315 (VCV002707315.3), dbSNP rs2529140255, ClinGen allele CA2697548356.
Genomic context (GRCh38, chr2:88,579,568, plus strand): 5'-CACCCATTACCTATTGGGGAGACGGATCCTCTTGATAGCATAATTGCAGTCATCTACTTT[GT>G]TTTTAGCTTCAAAAACAACTCCAAAGCCACCACGTCCCAGGCATTGAATTGGCTCAAAAT-3'